The following is an entry in ClinVar:

ClinVar aggregate classification (germline): Conflicting classifications of pathogenicity. Review status: criteria provided, conflicting classifications (1 of 4 stars). 4 submissions from 4 submitters: Uncertain significance (3); Benign (1). Last evaluated 2025-10-26.

Conditions:
Primary ciliary dyskinesia. Also called: Ciliary dyskinesia. Identifiers: Orphanet 244, MedGen C0008780, MONDO:0016575, HP:0012265.
Primary ciliary dyskinesia 7. Also called: CILIARY DYSKINESIA, PRIMARY, 7, WITH OR WITHOUT SITUS INVERSUS. Identifiers: Orphanet 244, MedGen C2678473, MONDO:0012748, OMIM 611884.

Allele frequency attached by ClinVar (database versions not stated): gnomAD exomes 0.00002 and 0.00007; ExAC 0.00005; gnomAD 0.00011; TOPMed 0.00035; 1000 Genomes Project 0.00040; 1000 Genomes Project 30x 0.00062.
gnomAD v4.1: 46 of 1,612,064 alleles (0.0029%); highest among the groups gnomAD compares: Admixed American, 0.064%; no homozygotes.

Submissions (4):

Labcorp Genetics (formerly Invitae), Labcorp
Classification: Benign for Primary ciliary dyskinesia. Last evaluated: 2025-10-26. Review status: criteria provided, single submitter. Criteria: Invitae Variant Classification Sherloc (09022015). Collection method: clinical testing. Allele origin: germline.

Ambry Genetics
Classification: Uncertain significance for Primary ciliary dyskinesia. Last evaluated: 2025-04-19. Review status: criteria provided, single submitter. Criteria: Ambry Variant Classification Scheme 2023. Collection method: clinical testing. Allele origin: germline.
Comment: The p.G411E variant (also known as c.1232G>A), located in coding exon 7 of the DNAH11 gene, results from a G to A substitution at nucleotide position 1232. The glycine at codon 411 is replaced by glutamic acid, an amino acid with similar properties. This amino acid position is conserved. In addition, this alteration is predicted to be tolerated by in silico analysis. Based on the available evidence, the clinical significance of this variant remains unclear.

GeneDx
Classification: Uncertain significance. Last evaluated: 2023-08-24. Review status: criteria provided, single submitter. Criteria: GeneDx Variant Classification Process June 2021. Collection method: clinical testing. Allele origin: germline. Affected: yes.
Comment: In silico analysis supports that this missense variant has a deleterious effect on protein structure/function; Has not been previously published as pathogenic or benign to our knowledge

Revvity Omics, Revvity
Classification: Uncertain significance for Primary ciliary dyskinesia 7. Last evaluated: 2020-01-07. Review status: criteria provided, single submitter. Criteria: ACMG Guidelines, 2015. Collection method: clinical testing. Allele origin: germline.

NM_001277115.2(DNAH11):c.1232G>A (p.Gly411Glu)

Gene: DNAH11 (dynein axonemal heavy chain 11; plus strand). Cytogenetic location: 7p15.3.
Variant type: single nucleotide variant.
Coding change: c.1232G>A on transcript NM_001277115.2 (MANE Select); coding-DNA position 1232, G replaced by A.
Protein change: p.Gly411Glu; replaces glycine 411 with glutamic acid.
Molecular consequence: missense variant.
Genome position (GRCh38, 1-based): chr7:21,570,106, G>A. VCF-style: chr7-21570106-G-A. GRCh37 (hg19) VCF-style: chr7-21609724-G-A.
Other names: short protein forms G411E.
Identifiers: ClinVar variation 834885 (VCV000834885.14), dbSNP rs552249954, ClinGen allele CA4178940.